The following is an entry in ClinVar:

ClinVar aggregate classification (germline): Benign/Likely benign. Review status: criteria provided, multiple submitters, no conflicts (2 of 4 stars). 6 submissions from 6 submitters: Benign (5); Likely benign (1). Last evaluated 2026-02-03.

Conditions:
MOGS-congenital disorder of glycosylation. Also called: CDG IIb; GLUCOSIDASE I DEFICIENCY; CDG 2B; MOGS-CDG. Identifiers: Orphanet 79330, MedGen C1853736, MONDO:0011629, OMIM 606056.

Allele frequency attached by ClinVar (database versions not stated): gnomAD exomes 0.00762 and 0.00966; ExAC 0.01060; gnomAD 0.01857 and 0.01925; 1000 Genomes Project 0.01877; TOPMed 0.01948; ESP Exome Variant Server 0.01989; 1000 Genomes Project 30x 0.02108.
gnomAD v4.1: 14,072 of 1,614,216 alleles (0.87%); highest among the groups gnomAD compares: African/African-American, 4.8%; 153 homozygotes.

Submissions (6):

Labcorp Genetics (formerly Invitae), Labcorp
Classification: Benign for MOGS-congenital disorder of glycosylation. Last evaluated: 2026-02-03. Review status: criteria provided, single submitter. Criteria: Invitae Variant Classification Sherloc (09022015). Collection method: clinical testing. Allele origin: germline.

Women's Health and Genetics/Laboratory Corporation of America, LabCorp
Classification: Likely benign. Last evaluated: 2026-01-22. Review status: criteria provided, single submitter. Criteria: LabCorp Variant Classification Summary - May 2015. Collection method: clinical testing. Allele origin: germline.

ARUP Laboratories, Molecular Genetics and Genomics, ARUP Laboratories
Classification: Benign for MOGS-congenital disorder of glycosylation. Last evaluated: 2025-04-08. Review status: criteria provided, single submitter. Criteria: ARUP Molecular Germline Variant Investigation Process 2024. Collection method: clinical testing. Allele origin: germline.

Center for Pediatric Genomic Medicine, Children's Mercy Hospital and Clinics
Classification: Benign. Last evaluated: 2016-10-17. Review status: criteria provided, single submitter. Criteria: ACMG Guidelines, 2015. Collection method: clinical testing. Allele origin: germline.

GeneDx
Classification: Benign. Last evaluated: 2016-03-22. Review status: criteria provided, single submitter. Criteria: GeneDx Variant Classification (06012015). Collection method: clinical testing. Allele origin: germline. Affected: yes.
Comment: This variant is considered likely benign or benign based on one or more of the following criteria: it is a conservative change, it occurs at a poorly conserved position in the protein, it is predicted to be benign by multiple in silico algorithms, and/or has population frequency not consistent with disease.

Breakthrough Genomics
Classification: Benign. Review status: criteria provided, single submitter. Criteria: ACMG Guidelines, 2015. Collection method: not provided. Allele origin: germline. Inheritance: Autosomal recessive inheritance. Affected: yes.

NM_006302.3(MOGS):c.2353G>A (p.Gly785Ser)

Gene: MOGS (mannosyl-oligosaccharide glucosidase; minus strand). Cytogenetic location: 2p13.1.
Variant type: single nucleotide variant.
Coding change: c.2353G>A on transcript NM_006302.3 (MANE Select); coding-DNA position 2353, G replaced by A.
Protein change: p.Gly785Ser; replaces glycine 785 with serine.
Molecular consequence: missense variant.
Genome position (GRCh38, 1-based): chr2:74,461,436, C>T on the plus strand (G>A on the coding strand, the complement: MOGS is on the minus strand). VCF-style: chr2-74461436-C-T. GRCh37 (hg19) VCF-style: chr2-74688563-C-T.
Other names: c.2035G>A, p.Gly679Ser (NM_001146158.2); c.2353G>A, p.Gly785Ser (LRG_1226t1); short protein forms G785S, G679S.
Identifiers: ClinVar variation 337104 (VCV000337104.15), dbSNP rs35533773, ClinGen allele CA1724602.